The following is an entry in ClinVar:

ClinVar aggregate classification (germline): Uncertain significance (1 of 4 stars; one submission).

Conditions:
Alstrom syndrome (ALMS). Identifiers: Orphanet 64, MedGen C0268425, MONDO:0008763, OMIM 203800.

Submission:

Helix
Classification: Uncertain significance for Alstrom syndrome. Last evaluated: 2026-04-29. Review status: criteria provided, single submitter. Criteria: ACMG Guidelines, 2015. Collection method: clinical testing. Allele origin: germline. Inheritance: Autosomal recessive inheritance.
Comment: This variant (NM_001378454.1:c.4906C>T p.Pro1636Ser) results in the substitution of proline with serine at codon 1636 in the ALMS1 protein. It is a rare variant that is absent from the large gnomAD population database (v4.1). To our knowledge, this variant has not been reported in individuals with ALMS1-related conditions in the published literature. In silico prediction from REVEL (PMID: 27666373) suggests that this variant may be benign. In conclusion, since the available evidence is limited, the clinical significance of this variant is unclear at this time. Therefore, it is classified as a Variant of Uncertain Significance.

NM_001378454.1(ALMS1):c.4906C>T (p.Pro1636Ser)

Gene: ALMS1 (ALMS1 centrosome and basal body associated protein; plus strand). Cytogenetic location: 2p13.1.
Variant type: single nucleotide variant.
Coding change: c.4906C>T on transcript NM_001378454.1 (MANE Select); coding-DNA position 4906, C replaced by T.
Protein change: p.Pro1636Ser; replaces proline 1636 with serine.
Molecular consequence: missense variant.
Genome position (GRCh38, 1-based): chr2:73,451,433, C>T. VCF-style: chr2-73451433-C-T. GRCh37 (hg19) VCF-style: chr2-73678560-C-T.
Other names: c.4909C>T, p.Pro1637Ser (NM_015120.4); short protein forms P1636S, P1637S.
Identifiers: ClinVar variation 4890813 (VCV004890813.1).